The following is an entry in ClinVar:

ClinVar aggregate classification (germline): Uncertain significance. Review status: criteria provided, multiple submitters, no conflicts (2 of 4 stars). 4 submissions from 4 submitters: Uncertain significance (4). Last evaluated 2024-10-16.

Conditions:
Coenzyme Q10 deficiency, primary, 3 (COQ10D3). Identifiers: Orphanet 255249, MedGen C3553358, MONDO:0013838, OMIM 614652.

Allele frequency attached by ClinVar (database versions not stated): gnomAD 0.00001; gnomAD exomes 0.00005; ExAC 0.00007; ESP Exome Variant Server 0.00015.

Submissions (4):

GeneDx
Classification: Uncertain significance. Last evaluated: 2024-10-16. Review status: criteria provided, single submitter. Criteria: GeneDx Variant Classification Process June 2021. Collection method: clinical testing. Allele origin: germline. Affected: yes.
Comment: Reported with a second variant in trans in a proband with optic atrophy, retinal degeneration, and sensorineural hearing loss in published literature (PMID: 34148116); In silico analysis supports that this missense variant has a deleterious effect on protein structure/function; This variant is associated with the following publications: (PMID: 34148116)

Blueprint Genetics
Classification: Uncertain significance. Last evaluated: 2024-05-10. Review status: criteria provided, single submitter. Criteria: ACMG Guidelines, 2015. Collection method: clinical testing. Allele origin: germline.

Labcorp Genetics (formerly Invitae), Labcorp
Classification: Uncertain significance. Last evaluated: 2022-10-17. Review status: criteria provided, single submitter. Criteria: Invitae Variant Classification Sherloc (09022015). Collection method: clinical testing. Allele origin: germline.
Comment: This sequence change replaces arginine, which is basic and polar, with histidine, which is basic and polar, at codon 163 of the PDSS2 protein (p.Arg163His). This variant is present in population databases (rs142617068, gnomAD 0.02%). This variant has not been reported in the literature in individuals affected with PDSS2-related conditions. ClinVar contains an entry for this variant (Variation ID: 1440087). Advanced modeling of protein sequence and biophysical properties (such as structural, functional, and spatial information, amino acid conservation, physicochemical variation, residue mobility, and thermodynamic stability) performed at Invitae indicates that this missense variant is expected to disrupt PDSS2 protein function. In summary, the available evidence is currently insufficient to determine the role of this variant in disease. Therefore, it has been classified as a Variant of Uncertain Significance.

Fulgent Genetics
Classification: Uncertain significance for Coenzyme Q10 deficiency, primary, 3. Last evaluated: 2021-08-30. Review status: criteria provided, single submitter. Criteria: ACMG Guidelines, 2015. Collection method: clinical testing. Allele origin: unknown.

NM_020381.4(PDSS2):c.488G>A (p.Arg163His)

Gene: PDSS2 (decaprenyl diphosphate synthase subunit 2; minus strand). Cytogenetic location: 6q21.
Variant type: single nucleotide variant.
Coding change: c.488G>A on transcript NM_020381.4 (MANE Select); coding-DNA position 488, G replaced by A.
Protein change: p.Arg163His; replaces arginine 163 with histidine.
Molecular consequence: missense variant.
Genome position (GRCh38, 1-based): chr6:107,274,171, C>T on the plus strand (G>A on the coding strand, the complement: PDSS2 is on the minus strand). VCF-style: chr6-107274171-C-T. GRCh37 (hg19) VCF-style: chr6-107595375-C-T.
Other names: c.488G>A (NM_020381.3); short protein forms R163H.
Identifiers: ClinVar variation 1440087 (VCV001440087.6), dbSNP rs142617068, ClinGen allele CA3946105.
Genomic context (GRCh38, chr6:107,274,171, plus strand): 5'-AATTGCATGTCTTTCAGTGGACCATCAGATGATTGCAACTCATTTAAATTTACTATCCCA[C>T]GATGTACAAGGAGAGCAATATGAATTAGCTCCGTGATCTCTGCCAAACTTCTTTGACTAA-3'
Protein context (NP_065114.3, residues 153-173): ELIHIALLVH[Arg163His]GIVNLNELQS